The following is an entry in ClinVar:

NC_000003.11:g.(?_9730360)_(9730786_?)del

Gene: MTMR14 (myotubularin related protein 14; plus strand). Cytogenetic location: 3p25.3.
Variant type: Deletion.
Identifiers: ClinVar variation 2426764 (VCV002426764.4).

ClinVar aggregate classification (germline): Uncertain significance (1 of 4 stars; one submission).

Submission:

Labcorp Genetics (formerly Invitae), Labcorp
Classification: Uncertain significance. Last evaluated: 2024-01-04. Review status: criteria provided, single submitter. Criteria: Invitae Variant Classification Sherloc (09022015). Collection method: clinical testing. Allele origin: germline.
Comment: This variant is a gross deletion of the genomic region encompassing exon(s) 15-16 of the MTMR14 gene. This variant would be expected to be in-frame, preserving the integrity of the reading frame. This variant has not been reported in the literature in individuals affected with MTMR14-related conditions. Experimental studies and prediction algorithms are not available or were not evaluated, and the functional significance of this variant is currently unknown. In summary, the available evidence is currently insufficient to determine the role of this variant in disease. Therefore, it has been classified as a Variant of Uncertain Significance.